The following is an entry in ClinVar:

ClinVar aggregate classification (germline): Uncertain significance (1 of 4 stars; one submission).

Conditions:
Severe combined immunodeficiency due to DNA-PKcs deficiency. Also called: IMMUNODEFICIENCY 26 WITH NEUROLOGIC ABNORMALITIES; Immunodeficiency 26 with or without neurologic abnormalities. Identifiers: Orphanet 317425, MedGen C4014833, MONDO:0014423, OMIM 615966.

Submission:

Labcorp Genetics (formerly Invitae), Labcorp
Classification: Uncertain significance for Severe combined immunodeficiency due to DNA-PKcs deficiency. Last evaluated: 2026-02-02. Review status: criteria provided, single submitter. Criteria: Invitae Variant Classification Sherloc (09022015). Collection method: clinical testing. Allele origin: germline.
Comment: This sequence change replaces valine, which is neutral and non-polar, with alanine, which is neutral and non-polar, at codon 3132 of the PRKDC protein (p.Val3132Ala). This variant is not present in population databases (gnomAD no frequency). This variant has not been reported in the literature in individuals affected with PRKDC-related conditions. ClinVar contains an entry for this variant (Variation ID: 3646506). Invitae Evidence Modeling of protein sequence and biophysical properties (such as structural, functional, and spatial information, amino acid conservation, physicochemical variation, residue mobility, and thermodynamic stability) has been performed for this missense variant. However, the output from this modeling did not meet the statistical confidence thresholds required to predict the impact of this variant on PRKDC protein function. In summary, the available evidence is currently insufficient to determine the role of this variant in disease. Therefore, it has been classified as a Variant of Uncertain Significance.

NM_006904.7(PRKDC):c.9395T>C (p.Val3132Ala)

Gene: PRKDC (protein kinase, DNA-activated, catalytic subunit; minus strand). Cytogenetic location: 8q11.21.
Variant type: single nucleotide variant.
Coding change: c.9395T>C on transcript NM_006904.7 (MANE Select); coding-DNA position 9395, T replaced by C.
Protein change: p.Val3132Ala; replaces valine 3132 with alanine.
Molecular consequence: missense variant.
Genome position (GRCh38, 1-based): chr8:47,819,452, A>G on the plus strand (T>C on the coding strand, the complement: PRKDC is on the minus strand). VCF-style: chr8-47819452-A-G. GRCh37 (hg19) VCF-style: chr8-48732013-A-G.
Other names: c.9395T>C, p.Val3132Ala (NM_001081640.2); short protein forms V3132A.
Identifiers: ClinVar variation 3646506 (VCV003646506.2).